The following is an entry in ClinVar:

ClinVar aggregate classification (germline): Uncertain significance (1 of 4 stars; one submission).

Allele frequency attached by ClinVar (database versions not stated): TOPMed below 0.00001.

Submission:

GeneDx
Classification: Uncertain significance. Last evaluated: 2022-12-02. Review status: criteria provided, single submitter. Criteria: GeneDx Variant Classification Process June 2021. Collection method: clinical testing. Allele origin: germline. Affected: yes.
Comment: Not observed at significant frequency in large population cohorts (gnomAD); In silico analysis supports that this missense variant does not alter protein structure/function; Has not been previously published as pathogenic or benign to our knowledge

NM_021614.4(KCNN2):c.1299A>G (p.Ile433Met)

Gene: KCNN2 (potassium calcium-activated channel subfamily N member 2; plus strand). Cytogenetic location: 5q22.3.
Variant type: single nucleotide variant.
Coding change: c.1299A>G on transcript NM_021614.4 (MANE Select); coding-DNA position 1299, A replaced by G.
Protein change: p.Ile433Met; replaces isoleucine 433 with methionine.
Molecular consequence: missense variant.
Genome position (GRCh38, 1-based): chr5:114,404,518, A>G. VCF-style: chr5-114404518-A-G. GRCh37 (hg19) VCF-style: chr5-113740215-A-G.
Other names: c.1497A>G, p.Ile499Met (NM_001372233.1); short protein forms I433M, I499M.
Identifiers: ClinVar variation 2504455 (VCV002504455.1), dbSNP rs1253410807, ClinGen allele CA360705047.